The following is an entry in ClinVar:

NM_014915.3(ANKRD26):c.1460T>A (p.Met487Lys)

Gene: ANKRD26 (ankyrin repeat domain 26; minus strand). Cytogenetic location: 10p12.1.
Variant type: single nucleotide variant.
Coding change: c.1460T>A on transcript NM_014915.3 (MANE Select); coding-DNA position 1460, T replaced by A.
Protein change: p.Met487Lys; replaces methionine 487 with lysine.
Molecular consequence: missense variant.
Genome position (GRCh38, 1-based): chr10:27,061,146, A>T on the plus strand (T>A on the coding strand, the complement: ANKRD26 is on the minus strand). VCF-style: chr10-27061146-A-T. GRCh37 (hg19) VCF-style: chr10-27350075-A-T.
Other names: c.1460T>A, p.Met487Lys (NM_001256053.2); short protein forms M487K.
Identifiers: ClinVar variation 4842357 (VCV004842357.1).

ClinVar aggregate classification (germline): Uncertain significance (1 of 4 stars; one submission).

Conditions:
Inborn genetic diseases. Identifiers: MedGen C0950123, MeSH D030342.

Submission:

Ambry Genetics
Classification: Uncertain significance for Inborn genetic diseases. Last evaluated: 2026-01-03. Review status: criteria provided, single submitter. Criteria: Ambry Variant Classification Scheme 2023. Collection method: clinical testing. Allele origin: germline.
Comment: The p.M487K variant (also known as c.1460T>A), located in coding exon 13 of the ANKRD26 gene, results from a T to A substitution at nucleotide position 1460. The methionine at codon 487 is replaced by lysine, an amino acid with similar properties. This amino acid position is conserved. In addition, this alteration is predicted to be tolerated by in silico analysis. Based on the available evidence, the clinical significance of this variant remains unclear.